The following is an entry in ClinVar:

NC_000006.12:g.32853722C>G

Gene: TAP1 (transporter 1, ATP binding cassette subfamily B member; minus strand). Cytogenetic location: 6p21.32.
Variant type: single nucleotide variant.
Genome position: GRCh38 VCF-style: chr6-32853722-C-G. GRCh37 (hg19) VCF-style: chr6-32821499-C-G.
Identifiers: ClinVar variation 2867909 (VCV002867909.3), dbSNP rs776294658, ClinGen allele CA3747109.

ClinVar aggregate classification (germline): Uncertain significance (1 of 4 stars; one submission).

Conditions:
MHC class I deficiency. Identifiers: Orphanet 34592, MedGen C6024714, MONDO:0011476.

Allele frequency attached by ClinVar (database versions not stated): TOPMed below 0.00001.

Submission:

Labcorp Genetics (formerly Invitae), Labcorp
Classification: Uncertain significance for MHC class I deficiency 1. Last evaluated: 2024-10-15. Review status: criteria provided, single submitter. Criteria: Invitae Variant Classification Sherloc (09022015). Collection method: clinical testing. Allele origin: germline.
Comment: This sequence change replaces glycine, which is neutral and non-polar, with alanine, which is neutral and non-polar, at codon 32 of the TAP1 protein (p.Gly32Ala). This variant is not present in population databases (gnomAD no frequency). This variant has not been reported in the literature in individuals affected with TAP1-related conditions. Experimental studies and prediction algorithms are not available or were not evaluated, and the functional significance of this variant is currently unknown. In summary, the available evidence is currently insufficient to determine the role of this variant in disease. Therefore, it has been classified as a Variant of Uncertain Significance.